The following is an entry in ClinVar:

ClinVar aggregate classification (germline): Uncertain significance. Review status: criteria provided, multiple submitters, no conflicts (2 of 4 stars). 10 submissions from 10 submitters: Uncertain significance (10). Last evaluated 2025-12-23.

Conditions:
BRCA2-related cancer predisposition. Identifiers: MedGen CN377758, MONDO:0700269.
Hereditary cancer-predisposing syndrome. Also called: Tumor predisposition; Hereditary Cancer Syndrome; Hereditary neoplastic syndrome; Neoplastic Syndromes, Hereditary. Identifiers: Orphanet 140162, MedGen C0027672, MeSH D009386, MONDO:0015356.
Hereditary breast ovarian cancer syndrome. Also called: Hereditary breast and ovarian cancer syndrome (HBOC); BRCA1- and BRCA2-Associated Hereditary Breast and Ovarian Cancer; Hereditary breast and/or ovarian cancer syndrome; Breast and ovarian cancer; Hereditary breast and ovarian cancer syndrome; Hereditary breast and ovarian cancer. Identifiers: Orphanet 145, MedGen C0677776, MeSH D061325, MONDO:0003582. Disease mechanism: loss of function.

Submissions (10):

Labcorp Genetics (formerly Invitae), Labcorp
Classification: Uncertain significance for Hereditary breast ovarian cancer syndrome. Last evaluated: 2025-12-23. Review status: criteria provided, single submitter. Criteria: Invitae Variant Classification Sherloc (09022015). Collection method: clinical testing. Allele origin: germline.
Comment: This variant, c.8588_8590dup, results in the insertion of 1 amino acid(s) of the BRCA2 protein (p.Glu2863dup), but otherwise preserves the integrity of the reading frame. This variant is not present in population databases (gnomAD no frequency). This variant has been observed in individual(s) with family history of breast and/or ovarian cancer (PMID: 35534704). ClinVar contains an entry for this variant (Variation ID: 182323). In summary, the available evidence is currently insufficient to determine the role of this variant in disease. Therefore, it has been classified as a Variant of Uncertain Significance.

Department of Pathology and Laboratory Medicine, Sinai Health System
Classification: Uncertain significance for BRCA2-related cancer predisposition. Last evaluated: 2024-12-20. Review status: criteria provided, single submitter. Criteria: ACMG Guidelines, 2015. Collection method: clinical testing. Allele origin: germline.

GeneDx
Classification: Uncertain significance. Last evaluated: 2024-10-06. Review status: criteria provided, single submitter. Criteria: GeneDx Variant Classification Process June 2021. Collection method: clinical testing. Allele origin: germline. Affected: yes.
Comment: In-frame duplication of 1 amino acid with an unclear effect on protein function; Observed in an individual with a family history of breast, ovarian, and colorectal cancer undergoing multi-gene hereditary cancer panel testing (PMID: 35534704); Not observed at significant frequency in large population cohorts (gnomAD); Also known as 8816_8818dup; This variant is associated with the following publications: (PMID: 12228710, 35534704)

All of Us Research Program, National Institutes of Health
Classification: Uncertain significance for BRCA2-related cancer predisposition. Last evaluated: 2024-08-13. Review status: criteria provided, single submitter. Criteria: ACMG Guidelines, 2015. Collection method: clinical testing. Allele origin: germline. Inheritance: Autosomal dominant inheritance. Observed: 1 variant allele, 1 heterozygote.
Comment: This variant causes the duplication of glutamic acid 2863 in the BRCA2 protein. To our knowledge, functional studies have not been reported for this variant. This variant has been reported in a suspected hereditary breast and ovarian cancer family and in three individuals screened for BRCA2 mutations (LOVD DB-ID BRCA2_003031). A multifactorial analysis has reported likelihood ratio for pathogenicity based on personal and family history of 0.229 from the reported log(LR) = -0.640237451 (PMID: 31853058). This variant has not been identified in the general population by the Genome Aggregation Database (gnomAD). The available evidence is insufficient to determine the role of this variant in disease conclusively. Therefore, this variant is classified as a Variant of Uncertain Significance.

This study involves interpretation of variants in research participants for the purpose of population health screening. Participant phenotype was not available at the time of variant classification. Additional details can be found in publication PMID: 35346344, PMCID: PMC8962531

Color Diagnostics, LLC DBA Color Health
Classification: Uncertain significance for Hereditary cancer-predisposing syndrome. Last evaluated: 2024-07-24. Review status: criteria provided, single submitter. Criteria: ACMG Guidelines, 2015. Collection method: clinical testing. Allele origin: germline.
Comment: This variant causes the duplication of glutamic acid 2863 in the BRCA2 protein. To our knowledge, functional studies have not been reported for this variant. This variant has been reported in a suspected hereditary breast and ovarian cancer family and in three individuals screened for BRCA2 mutations (LOVD DB-ID BRCA2_003031). A multifactorial analysis has reported likelihood ratio for pathogenicity based on personal and family history of 0.229 from the reported log(LR) = -0.640237451 (PMID: 31853058). This variant has not been identified in the general population by the Genome Aggregation Database (gnomAD). The available evidence is insufficient to determine the role of this variant in disease conclusively. Therefore, this variant is classified as a Variant of Uncertain Significance.

Ambry Genetics
Classification: Uncertain significance for Hereditary cancer-predisposing syndrome. Last evaluated: 2023-10-03. Review status: criteria provided, single submitter. Criteria: Ambry Variant Classification Scheme 2023. Collection method: clinical testing. Allele origin: germline.
Comment: The c.8588_8590dupAAG variant (also known as p.E2863dup), located in coding exon 19 of the BRCA2 gene, results from an in-frame duplication of AAG at nucleotide positions 8588 to 8590. This results in the duplication of an extra residue between codons 2863 and 2864. The in silico prediction for this alteration is inconclusive (Choi Y et al. PLoS ONE. 2012; 7(10):e46688). Since supporting evidence is limited at this time, the clinical significance of this alteration remains unclear.

Blueprint Genetics
Classification: Uncertain significance. Last evaluated: 2021-12-22. Review status: criteria provided, single submitter. Criteria: ACMG Guidelines, 2015. Collection method: clinical testing. Allele origin: germline.

Quest Diagnostics Nichols Institute San Juan Capistrano
Classification: Uncertain significance. Last evaluated: 2019-10-30. Review status: criteria provided, single submitter. Criteria: Quest Diagnostics criteria. Collection method: clinical testing. Allele origin: unknown.

Women's Health and Genetics/Laboratory Corporation of America, LabCorp
Classification: Uncertain significance. Last evaluated: 2019-04-15. Review status: criteria provided, single submitter. Criteria: LabCorp Variant Classification Summary - May 2015. Collection method: clinical testing. Allele origin: germline.
Comment: Variant summary: BRCA2 c.8588_8590dupAAG (p.Glu2863dup) causes an in-frame duplication, which is predicted to be a polymorphism by mutation taster, although this prediction has yet to be functionally assessed. The variant was absent in 251178 control chromosomes (gnomAD). The available data on variant occurrences in the general population are insufficient to allow any conclusion about variant significance. To our knowledge, no occurrence of c.8588_8590dupAAG in individuals affected with Hereditary Breast and Ovarian Cancer and no experimental evidence demonstrating its impact on protein function have been reported. Co-occurrences with another pathogenic variant from reputable database have been reported (BRCA2 c.631+2T>G, KConFab), providing supporting evidence for a benign role. Five clinical diagnostic laboratories have submitted clinical-significance assessments for this variant to ClinVar after 2014 without evidence for independent evaluation. All laboratories classified the variant as uncertain significance. Based on the evidence outlined above, the variant was classified as VUS-possibly benign.

Mendelics
Classification: Uncertain significance for Hereditary breast and ovarian cancer syndrome. Last evaluated: 2018-07-02. Review status: criteria provided, single submitter. Criteria: Mendelics Assertion Criteria 2017. Collection method: clinical testing. Allele origin: unknown.

Literature cited by the submitters: PubMed 35534704 (cited by Labcorp Genetics (formerly Invitae), Labcorp); PubMed 35334704 (cited by Department of Pathology and Laboratory Medicine, Sinai Health System); PubMed 31853058 (cited by All of Us Research Program, National Institutes of Health and Color Diagnostics, LLC DBA Color Health).

NM_000059.4(BRCA2):c.8588_8590dup (p.Glu2863dup)

Gene: BRCA2 (BRCA2 DNA repair associated; plus strand). Cytogenetic location: 13q13.1.
Variant type: Duplication.
Coding change: c.8588_8590dup on transcript NM_000059.4 (MANE Select); coding-DNA positions 8588 to 8590, 3 bases duplicated (AAG; older notation c.8588_8590dupAAG).
Protein change: p.Glu2863dup; duplicates glutamic acid 2863.
Molecular consequence: inframe insertion.
Genome position (GRCh38, 1-based): chr13:32,371,056-32,371,058, AAG duplicated; duplicating any 3 consecutive bases within chr13:32,371,054-32,371,058 gives the same sequence; the c. name uses the placement nearest the transcript's 3' end. VCF-style (leftmost placement, unchanged base first): chr13-32371053-T-TAGA. GRCh37 (hg19) VCF-style: chr13-32945190-T-TAGA.
Other names: c.8588_8590dupAAG (NM_000059.3).
Identifiers: ClinVar variation 182323 (VCV000182323.29), dbSNP rs730881616, ClinGen allele CA025724.